The following is an entry in ClinVar:

NM_001035.3(RYR2):c.10962A>C (p.Glu3654Asp)

Gene: RYR2 (ryanodine receptor 2; plus strand). Cytogenetic location: 1q43.
Variant type: single nucleotide variant.
Coding change: c.10962A>C on transcript NM_001035.3 (MANE Select); coding-DNA position 10962, A replaced by C.
Protein change: p.Glu3654Asp; replaces glutamic acid 3654 with aspartic acid.
Molecular consequence: missense variant.
Genome position (GRCh38, 1-based): chr1:237,732,072, A>C. VCF-style: chr1-237732072-A-C. GRCh37 (hg19) VCF-style: chr1-237895372-A-C.
Other names: c.10962A>C, p.Glu3654Asp (LRG_402t1); short protein forms E3654D.
Identifiers: ClinVar variation 296749 (VCV000296749.26), dbSNP rs547005691, ClinGen allele CA084638.

ClinVar aggregate classification (germline): Conflicting classifications of pathogenicity. Review status: criteria provided, conflicting classifications (1 of 4 stars). 9 submissions from 8 submitters: Uncertain significance (6); Likely benign (3). Last evaluated 2026-01-19.

Conditions:
Catecholaminergic polymorphic ventricular tachycardia (CVPT). Also called: Catecholamine-induced polymorphic ventricular tachycardia. Identifiers: Orphanet 3286, MedGen C5574922, MONDO:0017990.
Cardiomyopathy (CMYO). Also called: Cardiomyopathies. Identifiers: Orphanet 167848, MedGen C0878544, MONDO:0004994, HP:0001638. Inheritance: Various modes of inheritance.
Catecholaminergic polymorphic ventricular tachycardia 1. Also called: VENTRICULAR TACHYCARDIA, CATECHOLAMINERGIC POLYMORPHIC, 1, WITH OR WITHOUT ATRIAL DYSFUNCTION AND/OR DILATED CARDIOMYOPATHY; RYR2-Related Catecholaminergic Polymorphic Ventricular Tachycardia; VENTRICULAR TACHYCARDIA, STRESS-INDUCED POLYMORPHIC 1. Identifiers: Orphanet 3286, MedGen C1631597, MONDO:0011484, OMIM 604772.
Cardiovascular phenotype. Identifiers: MedGen CN230736.
Arrhythmogenic right ventricular dysplasia 2. Identifiers: MedGen C1832931.

Allele frequency attached by ClinVar (database versions not stated): gnomAD exomes 0.00001 and 0.00002; ExAC 0.00002; gnomAD 0.00016 and 0.00017; TOPMed 0.00026; 1000 Genomes Project 30x 0.00031; 1000 Genomes Project 0.00040.
gnomAD v4.1: 45 of 1,608,652 alleles (0.0028%); highest among the groups gnomAD compares: African/African-American, 0.031%; no homozygotes.

Submissions (9):

Labcorp Genetics (formerly Invitae), Labcorp
Classification: Likely benign for Catecholaminergic polymorphic ventricular tachycardia 1. Last evaluated: 2026-01-19. Review status: criteria provided, single submitter. Criteria: Invitae Variant Classification Sherloc (09022015). Collection method: clinical testing. Allele origin: germline.

All of Us Research Program, National Institutes of Health
Classification: Uncertain significance for Catecholaminergic polymorphic ventricular tachycardia. Last evaluated: 2024-09-23. Review status: criteria provided, single submitter. Criteria: ACMG Guidelines, 2015. Collection method: clinical testing. Allele origin: germline. Inheritance: Autosomal dominant inheritance. Observed: 23 variant alleles, 23 heterozygotes.
Comment: This missense variant replaces glutamic acid with aspartic acid at codon 3654 of the RYR2 protein. Computational prediction is inconclusive regarding the impact of this variant on protein structure and function (internally defined REVEL score threshold 0.5 < inconclusive < 0.7, PMID: 27666373). To our knowledge, functional studies have not been reported for this variant. This variant has not been reported in individuals affected with RYR2-related disorders in the literature. This variant has been identified in 7/277998 chromosomes in the general population by the Genome Aggregation Database (gnomAD). The available evidence is insufficient to determine the role of this variant in disease conclusively. Therefore, this variant is classified as a Variant of Uncertain Significance.

This study involves interpretation of variants in research participants for the purpose of population health screening. Participant phenotype was not available at the time of variant classification. Additional details can be found in publication PMID: 35346344, PMCID: PMC8962531

Color Diagnostics, LLC DBA Color Health
Classification: Uncertain significance for Cardiomyopathy. Last evaluated: 2024-04-05. Review status: criteria provided, single submitter. Criteria: ACMG Guidelines, 2015. Collection method: clinical testing. Allele origin: germline.
Comment: This missense variant replaces glutamic acid with aspartic acid at codon 3654 of the RYR2 protein. Computational prediction is inconclusive regarding the impact of this variant on protein structure and function (internally defined REVEL score threshold 0.5 < inconclusive < 0.7, PMID: 27666373). To our knowledge, functional studies have not been reported for this variant. This variant has not been reported in individuals affected with RYR2-related disorders in the literature. This variant has been identified in 7/277998 chromosomes in the general population by the Genome Aggregation Database (gnomAD). The available evidence is insufficient to determine the role of this variant in disease conclusively. Therefore, this variant is classified as a Variant of Uncertain Significance.

GeneDx
Classification: Uncertain significance. Last evaluated: 2023-05-09. Review status: criteria provided, single submitter. Criteria: GeneDx Variant Classification Process June 2021. Collection method: clinical testing. Allele origin: germline. Affected: yes.
Comment: Has not been previously published as pathogenic or benign to our knowledge; Not located in one of the three hot-spot regions of the RYR2 gene, where the majority of pathogenic missense variants occur (Medeiros-Domingo et al., 2009); In silico analysis supports that this missense variant does not alter protein structure/function

Ambry Genetics
Classification: Uncertain significance for Cardiovascular phenotype. Last evaluated: 2023-01-10. Review status: criteria provided, single submitter. Criteria: Ambry Variant Classification Scheme 2023. Collection method: clinical testing. Allele origin: germline.
Comment: The p.E3654D variant (also known as c.10962A>C), located in coding exon 78 of the RYR2 gene, results from an A to C substitution at nucleotide position 10962. The glutamic acid at codon 3654 is replaced by aspartic acid, an amino acid with highly similar properties. This amino acid position is highly conserved in available vertebrate species. In addition, the in silico prediction for this alteration is inconclusive. Since supporting evidence is limited at this time, the clinical significance of this alteration remains unclear.

Women's Health and Genetics/Laboratory Corporation of America, LabCorp
Classification: Uncertain significance. Last evaluated: 2021-08-05. Review status: criteria provided, single submitter. Criteria: LabCorp Variant Classification Summary - May 2015. Collection method: clinical testing. Allele origin: germline.
Comment: Variant summary: RYR2 c.10962A>C (p.Glu3654Asp) results in a conservative amino acid change in the encoded protein sequence. Three of five in-silico tools predict a damaging effect of the variant on protein function. The variant allele was found at a frequency of 1.6e-05 in 246606 control chromosomes. The available data on variant occurrences in the general population are insufficient to allow any conclusion about variant significance. To our knowledge, no occurrence of c.10962A>C in individuals affected with Catecholaminergic Polymorphic Ventricular Tachycardia and no experimental evidence demonstrating its impact on protein function have been reported. Four clinical diagnostic laboratories have submitted clinical-significance assessments for this variant to ClinVar after 2014 without evidence for independent evaluation (likely benign n=1, VUS n=3). Based on the evidence outlined above, the variant was classified as uncertain significance.

Blueprint Genetics
Classification: Likely benign. Last evaluated: 2020-12-01. Review status: criteria provided, single submitter. Criteria: ACMG Guidelines, 2015. Collection method: clinical testing. Allele origin: germline.

Illumina Laboratory Services, Illumina
Classification: Likely benign for Catecholaminergic polymorphic ventricular tachycardia 1. Last evaluated: 2018-01-13. Review status: criteria provided, single submitter. Criteria: ICSL Variant Classification Criteria 13 December 2019. Collection method: clinical testing. Allele origin: germline.
Comment: This variant was observed in the ICSL laboratory as part of a predisposition screen in an ostensibly healthy population. It had not been previously curated by ICSL or reported in the Human Gene Mutation Database (HGMD: prior to June 1st, 2018), and was therefore a candidate for classification through an automated scoring system. Utilizing variant allele frequency, disease prevalence and penetrance estimates, and inheritance mode, an automated score was calculated to assess if this variant is too frequent to cause the disease. Based on the score and internal cut-off values, a variant classified as likely benign is not then subjected to further curation. The score for this variant resulted in a classification of likely benign for this disease.

Illumina Laboratory Services, Illumina
Classification: Uncertain significance for Catecholaminergic polymorphic ventricular tachycardia 1. Last evaluated: 2018-01-13. Review status: criteria provided, single submitter. Criteria: ICSL Variant Classification Criteria 13 December 2019. Collection method: clinical testing. Allele origin: germline.